The following is an entry in ClinVar:

NM_000552.5(VWF):c.3587G>A (p.Cys1196Tyr)

Gene: VWF (von Willebrand factor; minus strand). Cytogenetic location: 12p13.31.
Variant type: single nucleotide variant.
Coding change: c.3587G>A on transcript NM_000552.5 (MANE Select); coding-DNA position 3587, G replaced by A.
Protein change: p.Cys1196Tyr; replaces cysteine 1196 with tyrosine.
Molecular consequence: missense variant.
Genome position (GRCh38, 1-based): chr12:6,021,987, C>T on the plus strand (G>A on the coding strand, the complement: VWF is on the minus strand). VCF-style: chr12-6021987-C-T. GRCh37 (hg19) VCF-style: chr12-6131153-C-T.
Other names: short protein forms C1196Y.
Identifiers: ClinVar variation 4294075 (VCV004294075.1).

ClinVar aggregate classification (germline): Likely pathogenic (1 of 4 stars; one submission).

Conditions:
von Willebrand disease type 2 (VWD2). Also called: VON WILLEBRAND DISEASE, TYPE II; VWD, TYPE 2; VON WILLEBRAND DISEASE, TYPE 2A/IIE; VON WILLEBRAND DISEASE, TYPE 2CB. Identifiers: Orphanet 166081, Orphanet 903, MedGen C1264040, MONDO:0013304, OMIM 613554.

Submission:

3billion
Classification: Likely pathogenic for von Willebrand disease type 2. Last evaluated: 2024-08-08. Review status: criteria provided, single submitter. Criteria: ACMG Guidelines, 2015. Collection method: clinical testing. Allele origin: germline. Affected: yes.
Comment: The variant is not observed in the gnomAD v4.0.0 dataset. Predicted Consequence/Location: Missense variant In silico tool predictions suggest damaging effect of the variant on gene or gene product [REVEL: 0.94 (>=0.6, sensitivity 0.68 and specificity 0.92)]. The same nucleotide change resulting in the same amino acid change has been previously reported to be associated with VWF-related disorder (PMID: 31939074). The variant has been observed in at least two similarly affected unrelated individuals (PMID: 31939074). A different missense change at the same codon (p.Cys1196Arg) has been reported to be associated with VWF-related disorder (PMID: 19506359). Therefore, this variant is classified as Likely pathogenic according to the recommendation of ACMG/AMP guideline.

Literature cited by the submitters: PubMed 31939074; PubMed 19506359.